The following is an entry in ClinVar:

ClinVar aggregate classification (germline): Pathogenic/Likely pathogenic. Review status: criteria provided, multiple submitters, no conflicts (2 of 4 stars). 4 submissions from 4 submitters: Pathogenic (1); Likely pathogenic (3). Last evaluated 2025-12-30.

Conditions:
NPHP4-related disorder. Also called: NPHP4-related condition; NPHP4-related disorders. Identifiers: MedGen CN239384.
Nephronophthisis. Also called: Juvenile Nephronophthisis. Identifiers: Orphanet 655, MedGen C0687120, MONDO:0019005, HP:0000090.
Nephronophthisis 4 (NPHP4). Also called: NEPHRONOPHTHISIS 4, JUVENILE. Identifiers: Orphanet 655, MedGen C1847013, MONDO:0011752, OMIM 606966.
Senior-Loken syndrome 4 (SLSN4). Identifiers: Orphanet 3156, MedGen C1846979, MONDO:0011756, OMIM 606996.

Allele frequency attached by ClinVar (database versions not stated): gnomAD exomes below 0.00001; gnomAD 0.00001; TOPMed 0.00003.
gnomAD v4.1: 3 of 1,612,628 alleles (0.00019%); highest among the groups gnomAD compares: Admixed American, 0.005%; no homozygotes.

Submissions (4):

PreventionGenetics, part of Exact Sciences
Classification: Likely pathogenic for NPHP4-related condition. Last evaluated: 2025-12-30. Review status: criteria provided, single submitter. Criteria: ACMG Guidelines, 2015. Collection method: clinical testing. Allele origin: germline.
Comment: The NPHP4 c.3418G>T variant is predicted to result in premature protein termination (p.Glu1140*). To our knowledge, this variant has not been reported in the literature. This variant is reported in 0.0029% of alleles in individuals of Latino descent in gnomAD. Nonsense variants in NPHP4 are expected to be pathogenic. This variant is interpreted as likely pathogenic.

Labcorp Genetics (formerly Invitae), Labcorp
Classification: Pathogenic for Nephronophthisis. Last evaluated: 2025-10-01. Review status: criteria provided, single submitter. Criteria: Invitae Variant Classification Sherloc (09022015). Collection method: clinical testing. Allele origin: germline.
Comment: This sequence change creates a premature translational stop signal (p.Glu1140*) in the NPHP4 gene. It is expected to result in an absent or disrupted protein product. Loss-of-function variants in NPHP4 are known to be pathogenic (PMID: 12205563, 23559409). This variant is present in population databases (no rsID available, gnomAD 0.003%). This variant has not been reported in the literature in individuals affected with NPHP4-related conditions. ClinVar contains an entry for this variant (Variation ID: 2156394). For these reasons, this variant has been classified as Pathogenic.

Fulgent Genetics
Classification: Likely pathogenic for Nephronophthisis 4; Senior-Loken syndrome 4. Last evaluated: 2024-05-13. Review status: criteria provided, single submitter. Criteria: ACMG Guidelines, 2015. Collection method: clinical testing. Allele origin: germline.

Blueprint Genetics
Classification: Likely pathogenic for NPHP4-related disorders. Last evaluated: 2022-08-02. Review status: criteria provided, single submitter. Criteria: ACMG Guidelines, 2015. Collection method: clinical testing. Allele origin: germline. Affected: yes. Observed: 2 variant alleles.

Literature cited by the submitters: PubMed 12205563 (cited by Labcorp Genetics (formerly Invitae), Labcorp); PubMed 23559409 (cited by Labcorp Genetics (formerly Invitae), Labcorp).

NM_015102.5(NPHP4):c.3418G>T (p.Glu1140Ter)

Gene: NPHP4 (nephrocystin 4; minus strand). Cytogenetic location: 1p36.31.
Variant type: single nucleotide variant.
Coding change: c.3418G>T on transcript NM_015102.5 (MANE Select); coding-DNA position 3418, G replaced by T.
Protein change: p.Glu1140Ter; replaces glutamic acid 1140 with a stop codon.
Molecular consequence: nonsense. On other transcripts: non-coding transcript variant (1).
Genome position (GRCh38, 1-based): chr1:5,867,794, C>A on the plus strand (G>T on the coding strand, the complement: NPHP4 is on the minus strand). VCF-style: chr1-5867794-C-A. GRCh37 (hg19) VCF-style: chr1-5927854-C-A.
Other names: c.1879G>T, p.Glu627Ter (NM_001291593.2); c.1882G>T, p.Glu628Ter (NM_001291594.2); c.3418G>T (NM_015102.4); short protein forms E1140*, E628*, E627*.
Identifiers: ClinVar variation 2156394 (VCV002156394.7), dbSNP rs1414888414, ClinGen allele CA338052190.